The following is an entry in ClinVar:

ClinVar aggregate classification (germline): Pathogenic (1 of 4 stars; one submission).

Conditions:
Intellectual disability, CASK-related, X-linked. Identifiers: MedGen CN043158.

Submission:

Labcorp Genetics (formerly Invitae), Labcorp
Classification: Pathogenic for Intellectual disability, CASK-related, X-linked. Last evaluated: 2022-02-04. Review status: criteria provided, single submitter. Criteria: Invitae Variant Classification Sherloc (09022015). Collection method: clinical testing. Allele origin: germline.
Comment: A gross deletion of the genomic region encompassing the full coding sequence of the CASK gene has been identified. Loss-of-function variants in CASK are known to be pathogenic (PMID: 19165920, 20029458, 21954287, 22452838, 22709267). The boundaries of this event are unknown as they extend beyond the assayed region for this gene and therefore may encompass additional genes. Isolated whole-gene deletions of CASK have not been reported in the literature. However, larger copy number events that include this gene have been reported (PMID: 21735175). For these reasons, this variant has been classified as Pathogenic.

Literature cited by the submitters: PubMed 19165920; PubMed 20029458; PubMed 21954287; PubMed 22452838; PubMed 22709267; PubMed 21735175.

NC_000023.11:g.(?_41520400)_(41923008_?)del

Genes: GPR82 (G protein-coupled receptor 82; plus strand), CASK (calcium/calmodulin dependent serine protein kinase; minus strand), GPR34 (G protein-coupled receptor 34; plus strand). Cytogenetic location: Xp11.4.
Variant type: Deletion.
Identifiers: ClinVar variation 832451 (VCV000832451.2).